The following is an entry in ClinVar:

NM_007294.4(BRCA1):c.1044_1047del (p.Leu347_Cys348insTer)

Gene: BRCA1 (BRCA1 DNA repair associated; minus strand). Cytogenetic location: 17q21.31.
Variant type: Deletion.
Coding change: c.1044_1047del on transcript NM_007294.4 (MANE Select); coding-DNA positions 1044 to 1047, 4 bases deleted (TGAG; older notation c.1044_1047delTGAG).
Protein change: p.Leu347_Cys348insTer.
Molecular consequence: nonsense. On other transcripts: frameshift variant (1), intron variant (137).
Genome position (GRCh38, 1-based): chr17:43,094,484-43,094,487, CTCA deleted on the plus strand (TGAG on the coding strand, the reverse complement: BRCA1 is on the minus strand); deleting any 4 consecutive bases within chr17:43,094,484-43,094,488 gives the same sequence; the c. name uses the placement nearest the transcript's 3' end. VCF-style (leftmost placement, unchanged base first): chr17-43094483-TCTCA-T. GRCh37 (hg19) VCF-style: chr17-41246500-TCTCA-T.
Other names: 1164delTGAG; c.834_837del, p.Leu277_Cys278insTer (NM_001407908.1, NM_001407909.1, NM_001407910.1 and 13 more transcripts); c.831_834del, p.Leu276_Cys277insTer (NM_001407915.1, NM_001407916.1, NM_001407917.1 and 9 more transcripts); c.921_924del, p.Leu306_Cys307insTer (NM_001407919.1, NM_001407937.1, NM_001407938.1 and 19 more transcripts); c.780_783del, p.Leu259_Cys260insTer (NM_001407920.1, NM_001407921.1, NM_001407922.1 and 9 more transcripts); c.777_780del, p.Leu258_Cys259insTer (NM_001407930.1, NM_001407931.1, NM_001407932.1 and 2 more transcripts); c.918_921del, p.Leu305_Cys306insTer (NM_001407940.1, NM_001407941.1, NM_001407649.1 and 11 more transcripts); c.903_906del, p.Leu300_Cys301insTer (NM_001407942.1, NM_001407944.1, NM_001407945.1 and 29 more transcripts); and 42 more.
Identifiers: ClinVar variation 266134 (VCV000266134.6), dbSNP rs886039924, ClinGen allele CA10589970.

ClinVar aggregate classification (germline): Pathogenic. Review status: reviewed by expert panel (3 of 4 stars). 2 submissions from 2 submitters: Pathogenic (1). 1 of the submissions does not count toward it. Last evaluated 2016-10-18.

Conditions:
Breast-ovarian cancer, familial, susceptibility to, 1 (BROVCA1). Also called: BRCA1 Hereditary Breast and Ovarian Cancer; OVARIAN CANCER, SUSCEPTIBILITY TO. Identifiers: Orphanet 145, MedGen C2676676, MONDO:0011450, OMIM 604370. Disease mechanism: loss of function.

Submissions (2):

Evidence-based Network for the Interpretation of Germline Mutant Alleles (ENIGMA)
Classification: Pathogenic for Breast-ovarian cancer, familial, susceptibility to, 1. Last evaluated: 2016-10-18. Review status: reviewed by expert panel. Criteria: ENIGMA BRCA1/2 Classification Criteria (2015). Collection method: curation. Allele origin: germline.
Comment: Variant allele predicted to encode a truncated non-functional protein.

Consortium of Investigators of Modifiers of BRCA1/2 (CIMBA), c/o University of Cambridge
Classification: Pathogenic for Breast-ovarian cancer, familial, susceptibility to, 1. Last evaluated: 2015-10-02. Review status: criteria provided, single submitter. Criteria: CIMBA Mutation Classification guidelines May 2016. Collection method: clinical testing. Allele origin: germline. Not counted in ClinVar's aggregate classification.